The following is an entry in ClinVar:

NM_001267550.2(TTN):c.19931A>G (p.Tyr6644Cys)

Genes: TTN (titin; minus strand), LOC126806429 (BRD4-independent group 4 enhancer GRCh37_chr2:179591393-179592592; plus strand). Cytogenetic location: 2q31.2.
Variant type: single nucleotide variant.
Coding change: c.19931A>G on transcript NM_001267550.2 (MANE Select); coding-DNA position 19931, A replaced by G.
Protein change: p.Tyr6644Cys; replaces tyrosine 6644 with cysteine.
Molecular consequence: missense variant. On other transcripts: intron variant (3).
Genome position (GRCh38, 1-based): chr2:178,727,647, T>C on the plus strand (A>G on the coding strand, the complement: TTN is on the minus strand). VCF-style: chr2-178727647-T-C. GRCh37 (hg19) VCF-style: chr2-179592374-T-C.
Other names: c.18980A>G, p.Tyr6327Cys (NM_001256850.1); c.16199A>G, p.Tyr5400Cys (NM_133378.4); c.13282+10435A>G (NM_003319.4); c.13858+10435A>G (NM_133437.4); c.13657+10435A>G (NM_133432.3); c.19931A>G (NM_001267550.1); short protein forms Y6644C, Y5400C, Y6327C.
Identifiers: ClinVar variation 404826 (VCV000404826.5), dbSNP rs375417679, ClinGen allele CA16610586.

ClinVar aggregate classification (germline): Uncertain significance. Review status: criteria provided, multiple submitters, no conflicts (2 of 4 stars). 3 submissions from 3 submitters: Uncertain significance (3). Last evaluated 2025-07-03.

Conditions:
TTN-related disorder. Also called: TTN-related disorders; TTN-related condition; TTN-related disease.
Autosomal recessive limb-girdle muscular dystrophy type 2J (LGMDR10). Also called: Limb-girdle muscular dystrophy, type 2J; MUSCULAR DYSTROPHY, LIMB-GIRDLE, AUTOSOMAL RECESSIVE 10. Identifiers: Orphanet 140922, MedGen C1837342, MONDO:0012127, OMIM 608807.
Dilated cardiomyopathy 1G (CMD1G). Identifiers: Orphanet 154, MedGen C1858763, MONDO:0011400, OMIM 604145.

Allele frequency attached by ClinVar (database versions not stated): gnomAD exomes below 0.00001; TOPMed below 0.00001; gnomAD 0.00001; ESP Exome Variant Server 0.00008.
gnomAD v4.1: 3 of 1,610,600 alleles (0.00019%); highest among the groups gnomAD compares: Admixed American, 0.005%; no homozygotes.

Submissions (3):

PreventionGenetics, part of Exact Sciences
Classification: Uncertain significance for TTN-related condition. Last evaluated: 2025-07-03. Review status: criteria provided, single submitter. Criteria: ACMG Guidelines, 2015. Collection method: clinical testing. Allele origin: germline.
Comment: The TTN c.19931A>G variant is predicted to result in the amino acid substitution p.Tyr6644Cys. To our knowledge, this variant has not been reported in the literature. This variant is reported in 0.0029% of alleles in individuals of Latino descent in gnomAD. At this time, the clinical significance of this variant is uncertain due to the absence of conclusive functional and genetic evidence.

GeneDx
Classification: Uncertain significance. Last evaluated: 2025-03-14. Review status: criteria provided, single submitter. Criteria: GeneDx Variant Classification Process June 2021. Collection method: clinical testing. Allele origin: germline. Affected: yes.
Comment: Not observed at significant frequency in large population cohorts (gnomAD); Missense variant in a gene in which most reported pathogenic variants are truncating/loss of function; Has not been previously published as pathogenic or benign to our knowledge

Labcorp Genetics (formerly Invitae), Labcorp
Classification: Uncertain significance for Dilated cardiomyopathy 1G; Autosomal recessive limb-girdle muscular dystrophy type 2J. Last evaluated: 2017-05-29. Review status: criteria provided, single submitter. Criteria: Invitae Variant Classification Sherloc (09022015). Collection method: clinical testing. Allele origin: germline.